The following is an entry in ClinVar:

NM_001395159.1(UNC79):c.7226C>T (p.Thr2409Met)

Gene: UNC79 (unc-79 subunit of NALCN channel complex; plus strand). Cytogenetic location: 14q32.12.
Variant type: single nucleotide variant.
Coding change: c.7226C>T on transcript NM_001395159.1 (MANE Select); coding-DNA position 7226, C replaced by T.
Protein change: p.Thr2409Met; replaces threonine 2409 with methionine.
Molecular consequence: missense variant.
Genome position (GRCh38, 1-based): chr14:93,686,645, C>T. VCF-style: chr14-93686645-C-T. GRCh37 (hg19) VCF-style: chr14-94152991-C-T.
Other names: c.7160C>T, p.Thr2387Met (NM_001346218.2); c.6479C>T, p.Thr2160Met (NM_020818.5); short protein forms T2160M, T2409M, T2387M.
Identifiers: ClinVar variation 2297970 (VCV002297970.4), dbSNP rs1253886558, ClinGen allele CA390814219.

ClinVar aggregate classification (germline): Uncertain significance. Review status: criteria provided, multiple submitters, no conflicts (2 of 4 stars). 2 submissions from 2 submitters: Uncertain significance (2). Last evaluated 2026-01-21.

Conditions:
Inborn genetic diseases. Identifiers: MedGen C0950123, MeSH D030342.

Allele frequency attached by ClinVar (database versions not stated): gnomAD 0.00001; TOPMed 0.00001.
gnomAD v4.1: 8 of 1,613,972 alleles (0.0005%); highest among the groups gnomAD compares: East Asian, 0.0022%; no homozygotes.

Submissions (2):

Dasa
Classification: Uncertain significance. Last evaluated: 2026-01-21. Review status: criteria provided, single submitter. Criteria: DASA Assertion Criteria. Collection method: clinical testing. Allele origin: germline.
Comment: NM_001395159.1(UNC79):c.7226C>T (p.Thr2409Met) is a missense variant that results in the substitution of threonine with methionine. This variant is rare in population databases. The currently available literature and clinical evidence are not sufficient to establish a definitive association between this variant and the reported condition. Therefore, this variant is classified as a variant of uncertain significance.

Ambry Genetics
Classification: Uncertain significance for Inborn genetic diseases. Last evaluated: 2022-06-27. Review status: criteria provided, single submitter. Criteria: Ambry Variant Classification Scheme 2023. Collection method: clinical testing. Allele origin: germline.